The following is an entry in ClinVar:

ClinVar aggregate classification (germline): Uncertain significance (1 of 4 stars; one submission).

Conditions:
Fabry disease. Also called: ALPHA-GALACTOSIDASE A DEFICIENCY; ANDERSON-FABRY DISEASE; CERAMIDE TRIHEXOSIDASE DEFICIENCY; GLA DEFICIENCY; HEREDITARY DYSTOPIC LIPIDOSIS; Fabry's disease. Identifiers: Orphanet 324, MedGen C0002986, MONDO:0010526, OMIM 301500, HP:0001071. Disease mechanism: loss of function, Fabry disease is due to inactivating mutations in the X-linked GLA gene resulting in deficiency of the enzyme Alpha Galactosidase-A..

Submission:

Color Diagnostics, LLC DBA Color Health
Classification: Uncertain significance for Fabry disease. Last evaluated: 2024-03-06. Review status: criteria provided, single submitter. Criteria: ACMG Guidelines, 2015. Collection method: clinical testing. Allele origin: germline.
Comment: This missense variant replaces phenylalanine with valine at codon 159 of the GLA protein. Computational prediction tool suggests that this variant may have deleterious impact on protein structure and function (internally defined REVEL score threshold >=0.7, PMID: 27666373). Splice site prediction tools suggest that this variant may not impact RNA splicing. To our knowledge, functional studies have not been performed for this variant. This variant has not been reported in individuals affected with cardiovascular disorders in the literature. This variant has not been identified in the general population by the Genome Aggregation Database (gnomAD). The available evidence is insufficient to determine the role of this variant in disease conclusively. Therefore, this variant is classified as a Variant of Uncertain Significance.

NM_000169.3(GLA):c.475T>G (p.Phe159Val)

Genes: GLA (galactosidase alpha; minus strand), RPL36A-HNRNPH2 (RPL36A-HNRNPH2 readthrough; plus strand). Cytogenetic location: Xq22.1.
Variant type: single nucleotide variant.
Coding change: c.475T>G on transcript NM_000169.3 (MANE Select); coding-DNA position 475, T replaced by G.
Protein change: p.Phe159Val; replaces phenylalanine 159 with valine.
Molecular consequence: missense variant. On other transcripts: non-coding transcript variant (3), intron variant (2).
Genome position (GRCh38, 1-based): chrX:101,401,704, A>C on the plus strand (T>G on the coding strand, the complement: GLA is on the minus strand). VCF-style: chrX-101401704-A-C. GRCh37 (hg19) VCF-style: chrX-100656692-A-C.
Other names: c.598T>G, p.Phe200Val (NM_001406747.1, NM_001406749.1); c.475T>G, p.Phe159Val (NM_001406748.1); c.300+6247A>C (NM_001199973.2); c.177+9882A>C (NM_001199974.2); short protein forms F159V, F200V.
Identifiers: ClinVar variation 922724 (VCV000922724.4), dbSNP rs1928321516, ClinGen allele CA413929367.